The following is an entry in ClinVar:

ClinVar aggregate classification (germline): Uncertain significance (1 of 4 stars; one submission).

Conditions:
Baller-Gerold syndrome (BGS). Also called: CRANIOSYNOSTOSIS WITH RADIAL DEFECTS. Identifiers: Orphanet 1225, MedGen C0265308, MONDO:0009039, OMIM 218600.

Submission:

Labcorp Genetics (formerly Invitae), Labcorp
Classification: Uncertain significance for Baller-Gerold syndrome. Last evaluated: 2022-08-08. Review status: criteria provided, single submitter. Criteria: Invitae Variant Classification Sherloc (09022015). Collection method: clinical testing. Allele origin: germline.
Comment: In summary, the available evidence is currently insufficient to determine the role of this variant in disease. Therefore, it has been classified as a Variant of Uncertain Significance. Algorithms developed to predict the effect of sequence changes on RNA splicing suggest that this variant may create or strengthen a splice site. This variant has not been reported in the literature in individuals affected with RECQL4-related conditions. This variant is not present in population databases (gnomAD no frequency). This sequence change affects codon 968 of the RECQL4 mRNA. It is a 'silent' change, meaning that it does not change the encoded amino acid sequence of the RECQL4 protein.

NM_004260.4(RECQL4):c.2904G>T (p.Val968=)

Gene: RECQL4 (RecQ like helicase 4; minus strand). Cytogenetic location: 8q24.3.
Variant type: single nucleotide variant.
Coding change: c.2904G>T on transcript NM_004260.4 (MANE Select); coding-DNA position 2904, G replaced by T.
Protein change: p.Val968=; no amino-acid change (valine 968 retained).
Molecular consequence: synonymous variant. On other transcripts: non-coding transcript variant (3).
Genome position (GRCh38, 1-based): chr8:144,512,543, C>A on the plus strand (G>T on the coding strand, the complement: RECQL4 is on the minus strand). VCF-style: chr8-144512543-C-A. GRCh37 (hg19) VCF-style: chr8-145737926-C-A.
Other names: c.2610G>T, p.Val870= (NM_001413017.1); c.2706G>T, p.Val902= (NM_001413018.1); c.2979G>T, p.Val993= (NM_001413019.1); c.2808G>T, p.Val936= (NM_001413020.1); c.1833G>T, p.Val611= (NM_001413021.1, NM_001413022.1, NM_001413024.1 and 4 more transcripts); c.1908G>T, p.Val636= (NM_001413023.1); c.2775G>T, p.Val925= (NM_001413025.1); c.1767G>T, p.Val589= (NM_001413027.1, NM_001413030.1, NM_001413032.1); and 9 more.
Identifiers: ClinVar variation 2194966 (VCV002194966.4), dbSNP rs1554897039, ClinGen allele CA463566141.